The following is an entry in ClinVar:

ClinVar aggregate classification (germline): Uncertain significance (1 of 4 stars; one submission).

Conditions:
Aortic valve disease 2 (AOVD2). Identifiers: MedGen C3542024, MONDO:0013902, OMIM 614823.

Submission:

Labcorp Genetics (formerly Invitae), Labcorp
Classification: Uncertain significance for Aortic valve disease 2. Last evaluated: 2023-07-09. Review status: criteria provided, single submitter. Criteria: Invitae Variant Classification Sherloc (09022015). Collection method: clinical testing. Allele origin: germline.
Comment: This sequence change creates a premature translational stop signal (p.Val195Alafs*38) in the SMAD6 gene. It is expected to result in an absent or disrupted protein product. However, the current clinical and genetic evidence is not sufficient to establish whether loss-of-function variants in SMAD6 cause disease. This variant is not present in population databases (gnomAD no frequency). This variant has not been reported in the literature in individuals affected with SMAD6-related conditions. In summary, the available evidence is currently insufficient to determine the role of this variant in disease. Therefore, it has been classified as a Variant of Uncertain Significance.

NM_005585.5(SMAD6):c.584_611del (p.Val195fs)

Gene: SMAD6 (SMAD family member 6; plus strand). Cytogenetic location: 15q22.31.
Variant type: Deletion.
Coding change: c.584_611del on transcript NM_005585.5 (MANE Select); coding-DNA positions 584 to 611, 28 bases deleted (TGGAGTCCCGCGGCGGCGTGCCGGGCGG).
Protein change: p.Val195fs; shifts the reading frame from valine 195.
Molecular consequence: frameshift variant. On other transcripts: non-coding transcript variant (1).
Genome position (GRCh38, 1-based): chr15:66,703,842-66,703,869, TGGAGTCCCGCGGCGGCGTGCCGGGCGG deleted; deleting any 28 consecutive bases within chr15:66,703,837-66,703,869 gives the same sequence; the c. name uses the placement nearest the transcript's 3' end. VCF-style (leftmost placement, unchanged base first): chr15-66703836-AGGCGGTGGAGTCCCGCGGCGGCGTGCCG-A. GRCh37 (hg19) VCF-style: chr15-66996174-AGGCGGTGGAGTCCCGCGGCGGCGTGCCG-A.
Other names: short protein forms V195fs.
Identifiers: ClinVar variation 2739651 (VCV002739651.3), dbSNP rs2545312318, ClinGen allele CA2697549145.
Genomic context (GRCh38, chr15:66,703,836, plus strand): 5'-AAACCGTCACGTACTCGCTGCTGAAGCGGCTCAAGGAGCGCTCGCTGGACACGCTGCTGG[AGGCGGTGGAGTCCCGCGGCGGCGTGCCG>A]GGCGGCTGCGTGCTGGTGCCGCGCGCCGACCTCCGCCTGGGCGGCCAGCCCGCGCCGCCG-3'